The following is an entry in ClinVar:

ClinVar aggregate classification (germline): Benign (0 of 4 stars; one submission).

Conditions:
SNTG1-related disorder. Also called: SNTG1-related condition.

Submission:

PreventionGenetics, part of Exact Sciences
Classification: Benign for SNTG1-related condition. Last evaluated: 2019-02-26. Review status: no assertion criteria provided. Collection method: clinical testing. Allele origin: germline.
Comment: This variant is classified as benign based on ACMG/AMP sequence variant interpretation guidelines (Richards et al. 2015 PMID: 25741868, with internal and published modifications).

NM_018967.5(SNTG1):c.1285-6dup

Gene: SNTG1 (syntrophin gamma 1; plus strand). Cytogenetic location: 8q11.21.
Variant type: Duplication.
Coding change: c.1285-6dup on transcript NM_018967.5 (MANE Select); 6 bases into the intron before coding-DNA position 1285, one base duplicated (C; older notation c.1285-6dupC).
Molecular consequence: intron variant.
Genome position (GRCh38, 1-based): chr8:50,751,995, C duplicated; the last of 6 consecutive C bases (chr8:50,751,990-50,751,995); duplicating any one gives the same sequence. VCF-style (leftmost placement, unchanged base first): chr8-50751989-T-TC. GRCh37 (hg19) VCF-style: chr8-51664549-T-TC.
Other names: c.1285-6dup (NM_001287813.3, NM_001321773.2); c.1285-40676dup (NM_001287814.3).
Identifiers: ClinVar variation 3039098 (VCV003039098.2), dbSNP rs58465124, ClinGen allele CA4744353.